The following is an entry in ClinVar:

NM_001350451.2(RBFOX3):c.263A>T (p.His88Leu)

Gene: RBFOX3 (RNA binding fox-1 homolog 3; minus strand). Cytogenetic location: 17q25.3.
Variant type: single nucleotide variant.
Coding change: c.263A>T on transcript NM_001350451.2 (MANE Select); coding-DNA position 263, A replaced by T.
Protein change: p.His88Leu; replaces histidine 88 with leucine.
Molecular consequence: missense variant.
Genome position (GRCh38, 1-based): chr17:79,106,748, T>A on the plus strand (A>T on the coding strand, the complement: RBFOX3 is on the minus strand). VCF-style: chr17-79106748-T-A. GRCh37 (hg19) VCF-style: chr17-77102830-T-A.
Other names: c.263A>T, p.His88Leu (NM_001082575.3, NM_001350453.2, NM_001385804.1 and 36 more transcripts); c.260A>T, p.His87Leu (NM_001385806.1, NM_001385822.1, NM_001385823.1 and 4 more transcripts); short protein forms H87L, H88L.
Identifiers: ClinVar variation 2159494 (VCV002159494.4), dbSNP rs747660044, ClinGen allele CA8810326.
Genomic context (GRCh38, chr17:79,106,748, plus strand): 5'-AAGGGGATGTTGGAGACGTGTAGCCGCTTGGGCTGCTGCTTCTCTGTAGGGTCGGAGGGG[T>A]GGAGCGGCTGGCTGTCCGTCTGTGCCGCCTCGTCTGTCTGCTGCAGGGAGAGGACTGGGC-3'
Protein context (NP_001337380.1, residues 78-98): EAAQTDSQPL[His88Leu]PSDPTEKQQP

ClinVar aggregate classification (germline): Uncertain significance (1 of 4 stars; one submission).

Conditions:
Idiopathic generalized epilepsy. Also called: Generalised epilepsy; EIG. Identifiers: MedGen C0270850, MONDO:0005579, OMIM 600669.

Allele frequency attached by ClinVar (database versions not stated): gnomAD exomes 0.00001; TOPMed 0.00001; ExAC 0.00005.
gnomAD v4.1: 5 of 1,523,194 alleles (0.00033%); highest among the groups gnomAD compares: South Asian, 0.005%; no homozygotes.

Submission:

Labcorp Genetics (formerly Invitae), Labcorp
Classification: Uncertain significance for Idiopathic generalized epilepsy. Last evaluated: 2022-06-29. Review status: criteria provided, single submitter. Criteria: Invitae Variant Classification Sherloc (09022015). Collection method: clinical testing. Allele origin: germline.
Comment: In summary, the available evidence is currently insufficient to determine the role of this variant in disease. Therefore, it has been classified as a Variant of Uncertain Significance. Algorithms developed to predict the effect of missense changes on protein structure and function (SIFT, PolyPhen-2, Align-GVGD) all suggest that this variant is likely to be tolerated. This variant has not been reported in the literature in individuals affected with RBFOX3-related conditions. This variant is present in population databases (rs747660044, gnomAD 0.005%). This sequence change replaces histidine, which is basic and polar, with leucine, which is neutral and non-polar, at codon 88 of the RBFOX3 protein (p.His88Leu).